The following is an entry in ClinVar:

ClinVar aggregate classification (germline): Likely benign. Review status: criteria provided, multiple submitters, no conflicts (2 of 4 stars). 2 submissions from 2 submitters: Likely benign (2). Last evaluated 2025-08-11.

Allele frequency attached by ClinVar (database versions not stated): TOPMed below 0.00001; ExAC 0.00001; gnomAD 0.00001; gnomAD exomes 0.00001 and 0.00002.
gnomAD v4.1: 23 of 1,614,104 alleles (0.0014%); highest among the groups gnomAD compares: East Asian, 0.0022%; no homozygotes.

Submissions (2):

Labcorp Genetics (formerly Invitae), Labcorp
Classification: Likely benign. Last evaluated: 2025-08-11. Review status: criteria provided, single submitter. Criteria: Invitae Variant Classification Sherloc (09022015). Collection method: clinical testing. Allele origin: germline.

CeGaT Center for Human Genetics Tuebingen
Classification: Likely benign. Last evaluated: 2022-06-01. Review status: criteria provided, single submitter. Criteria: CeGaT Center For Human Genetics Tuebingen Variant Classification Criteria Version 2. Collection method: clinical testing. Allele origin: germline. Affected: yes. Observed: 1 variant allele.
Comment: MTOR: PP2, BS1

NM_004958.4(MTOR):c.1882C>T (p.Arg628Cys)

Gene: MTOR (mechanistic target of rapamycin kinase; minus strand). Cytogenetic location: 1p36.22.
Variant type: single nucleotide variant.
Coding change: c.1882C>T on transcript NM_004958.4 (MANE Select); coding-DNA position 1882, C replaced by T.
Protein change: p.Arg628Cys; replaces arginine 628 with cysteine.
Molecular consequence: missense variant.
Genome position (GRCh38, 1-based): chr1:11,238,522, G>A on the plus strand (C>T on the coding strand, the complement: MTOR is on the minus strand). VCF-style: chr1-11238522-G-A. GRCh37 (hg19) VCF-style: chr1-11298579-G-A.
Other names: c.1882C>T (LRG_734t1); short protein forms R628C.
Identifiers: ClinVar variation 650240 (VCV000650240.41), dbSNP rs751242124, ClinGen allele CA590618.